The following is an entry in ClinVar:

NM_000197.2(HSD17B3):c.-10G>C

Genes: HSD17B3 (hydroxysteroid 17-beta dehydrogenase 3; minus strand), SLC35D2-HSD17B3 (SLC35D2-HSD17B3 readthrough; minus strand). Cytogenetic location: 9q22.32.
Variant type: single nucleotide variant.
Coding change: c.-10G>C on transcript NM_000197.2 (MANE Select); 10 bases upstream of the start codon, G replaced by C.
Molecular consequence: 5 prime UTR variant.
Genome position (GRCh38, 1-based): chr9:96,302,114, C>G on the plus strand (G>C on the coding strand, the complement: HSD17B3 is on the minus strand). VCF-style: chr9-96302114-C-G. GRCh37 (hg19) VCF-style: chr9-99064396-C-G.
Identifiers: ClinVar variation 367687 (VCV000367687.9), dbSNP rs2066484, ClinGen allele CA5140567.

ClinVar aggregate classification (germline): Benign. Review status: criteria provided, multiple submitters, no conflicts (2 of 4 stars). 3 submissions from 3 submitters: Benign (3). Last evaluated 2018-09-04.

Conditions:
Testosterone 17-beta-dehydrogenase deficiency. Also called: 17-beta hydroxysteroid dehydrogenase 3 deficiency; 17 alpha ketosteroid reductase deficiency of testis; 17 alpha KSR deficiency; Neutral 17 beta hydroxysteroid oxidoreductase deficiency; Male pseudoherma-phroditism with gynecomastia; 46,XY disorder of sex development due to 17-beta-hydroxysteroid dehydrogenase 3 deficiency. Identifiers: Orphanet 752, MedGen C0268296, MONDO:0009916, OMIM 264300. Disease mechanism: loss of function.

Allele frequency attached by ClinVar (database versions not stated): ESP Exome Variant Server 0.00792; gnomAD 0.01032 and 0.01222; TOPMed 0.01193; gnomAD exomes 0.01223 and 0.01763; ExAC 0.01944; 1000 Genomes Project 30x 0.02561; 1000 Genomes Project 0.02736.
gnomAD v4.1: 19,908 of 1,613,866 alleles (1.2%); highest among the groups gnomAD compares: South Asian, 6.1%; 359 homozygotes.

Submissions (3):

GeneDx
Classification: Benign. Last evaluated: 2018-09-04. Review status: criteria provided, single submitter. Criteria: GeneDx Variant Classification Process June 2021. Collection method: clinical testing. Allele origin: germline. Affected: yes.

Illumina Laboratory Services, Illumina
Classification: Benign for Testosterone 17-beta-dehydrogenase deficiency. Last evaluated: 2018-01-13. Review status: criteria provided, single submitter. Criteria: ICSL Variant Classification Criteria 13 December 2019. Collection method: clinical testing. Allele origin: germline.
Comment: This variant was observed in the ICSL laboratory as part of a predisposition screen in an ostensibly healthy population. It had not been previously curated by ICSL or reported in the Human Gene Mutation Database (HGMD: prior to June 1st, 2018), and was therefore a candidate for classification through an automated scoring system. Utilizing variant allele frequency, disease prevalence and penetrance estimates, and inheritance mode, an automated score was calculated to assess if this variant is too frequent to cause the disease. Based on the score and internal cut-off values, a variant classified as benign is not then subjected to further curation. The score for this variant resulted in a classification of benign for this disease.

Breakthrough Genomics
Classification: Benign. Review status: criteria provided, single submitter. Criteria: ACMG Guidelines, 2015. Collection method: not provided. Allele origin: germline. Inheritance: Autosomal recessive inheritance. Affected: yes.